The following is an entry in ClinVar:

ClinVar aggregate classification (germline): Uncertain significance (1 of 4 stars; one submission).

Conditions:
Lethal multiple pterygium syndrome (LMPS). Identifiers: Orphanet 33108, MedGen C1854678, MONDO:0009668, OMIM 253290.

gnomAD v4.1: 1 of 1,613,690 alleles (0.000062%); highest among the groups gnomAD compares: Non-Finnish European, 0.000085%; no homozygotes.

Submission:

Labcorp Genetics (formerly Invitae), Labcorp
Classification: Uncertain significance for Lethal multiple pterygium syndrome. Last evaluated: 2024-10-18. Review status: criteria provided, single submitter. Criteria: Invitae Variant Classification Sherloc (09022015). Collection method: clinical testing. Allele origin: germline.
Comment: This sequence change replaces glycine, which is neutral and non-polar, with serine, which is neutral and polar, at codon 37 of the CHRND protein (p.Gly37Ser). This variant is not present in population databases (gnomAD no frequency). This variant has not been reported in the literature in individuals affected with CHRND-related conditions. Invitae Evidence Modeling of protein sequence and biophysical properties (such as structural, functional, and spatial information, amino acid conservation, physicochemical variation, residue mobility, and thermodynamic stability) indicates that this missense variant is not expected to disrupt CHRND protein function with a negative predictive value of 95%. In summary, the available evidence is currently insufficient to determine the role of this variant in disease. Therefore, it has been classified as a Variant of Uncertain Significance.

NM_000751.3(CHRND):c.109G>A (p.Gly37Ser)

Gene: CHRND (cholinergic receptor nicotinic delta subunit; plus strand). Cytogenetic location: 2q37.1.
Variant type: single nucleotide variant.
Coding change: c.109G>A on transcript NM_000751.3 (MANE Select); coding-DNA position 109, G replaced by A.
Protein change: p.Gly37Ser; replaces glycine 37 with serine.
Molecular consequence: missense variant. On other transcripts: 5 prime UTR variant (2).
Genome position (GRCh38, 1-based): chr2:232,526,585, G>A. VCF-style: chr2-232526585-G-A. GRCh37 (hg19) VCF-style: chr2-233391295-G-A.
Other names: c.109G>A, p.Gly37Ser (NM_001256657.2); c.-163G>A (NM_001311195.2, NM_001311196.2); short protein forms G37S.
Identifiers: ClinVar variation 3680721 (VCV003680721.2).